The following is an entry in ClinVar:

ClinVar aggregate classification (germline): Uncertain significance (1 of 4 stars; one submission).

Submission:

Labcorp Genetics (formerly Invitae), Labcorp
Classification: Uncertain significance. Last evaluated: 2022-10-12. Review status: criteria provided, single submitter. Criteria: Invitae Variant Classification Sherloc (09022015). Collection method: clinical testing. Allele origin: germline.
Comment: This variant is not present in population databases (gnomAD no frequency). In summary, the available evidence is currently insufficient to determine the role of this variant in disease. Therefore, it has been classified as a Variant of Uncertain Significance. Advanced modeling of protein sequence and biophysical properties (such as structural, functional, and spatial information, amino acid conservation, physicochemical variation, residue mobility, and thermodynamic stability) performed at Invitae indicates that this missense variant is not expected to disrupt COL11A1 protein function. This variant has not been reported in the literature in individuals affected with COL11A1-related conditions. This sequence change replaces proline, which is neutral and non-polar, with serine, which is neutral and polar, at codon 51 of the COL11A1 protein (p.Pro51Ser).

NM_001854.4(COL11A1):c.151C>T (p.Pro51Ser)

Gene: COL11A1 (collagen type XI alpha 1 chain; minus strand). Cytogenetic location: 1p21.1.
Variant type: single nucleotide variant.
Coding change: c.151C>T on transcript NM_001854.4 (MANE Select); coding-DNA position 151, C replaced by T.
Protein change: p.Pro51Ser; replaces proline 51 with serine.
Molecular consequence: missense variant. On other transcripts: non-coding transcript variant (1).
Genome position (GRCh38, 1-based): chr1:103,082,928, G>A on the plus strand (C>T on the coding strand, the complement: COL11A1 is on the minus strand). VCF-style: chr1-103082928-G-A. GRCh37 (hg19) VCF-style: chr1-103548484-G-A.
Other names: c.151C>T, p.Pro51Ser (NM_001168249.1, NM_001190709.2, NM_080629.3 and 1 more transcripts); short protein forms P51S.
Identifiers: ClinVar variation 1721450 (VCV001721450.5), dbSNP rs2526237954, ClinGen allele CA341168803.